The following is an entry in ClinVar:

NM_017668.3(NDE1):c.638C>T (p.Pro213Leu)

Gene: NDE1 (nudE neurodevelopment protein 1; plus strand). Cytogenetic location: 16p13.11.
Variant type: single nucleotide variant.
Coding change: c.638C>T on transcript NM_017668.3 (MANE Select); coding-DNA position 638, C replaced by T.
Protein change: p.Pro213Leu; replaces proline 213 with leucine.
Molecular consequence: missense variant.
Genome position (GRCh38, 1-based): chr16:15,691,258, C>T. VCF-style: chr16-15691258-C-T. GRCh37 (hg19) VCF-style: chr16-15785115-C-T.
Other names: c.638C>T, p.Pro213Leu (NM_001143979.2); short protein forms P213L.
Identifiers: ClinVar variation 1307990 (VCV001307990.5), dbSNP rs112118461, ClinGen allele CA7920731.
Genomic context (GRCh38, chr16:15,691,258, plus strand): 5'-TGCCCAGCTCAGTGGAAGCTGAGAGGACAGACACAGCTGTGCAGGCCACGGGCTCCGTGC[C>T]GTCCACGCCCATTGCTCACCGAGGACCCAGCTCAAGTTTAAACACACCTGGGAGCTTCAG-3'
Protein context (NP_060138.1, residues 203-223): DTAVQATGSV[Pro213Leu]STPIAHRGPS

ClinVar aggregate classification (germline): Uncertain significance. Review status: criteria provided, multiple submitters, no conflicts (2 of 4 stars). 3 submissions from 3 submitters: Uncertain significance (3). Last evaluated 2025-07-17.

Conditions:
Inborn genetic diseases. Identifiers: MedGen C0950123, MeSH D030342.

Allele frequency attached by ClinVar (database versions not stated): ExAC 0.00004.
gnomAD v4.1: 44 of 1,614,094 alleles (0.0027%); highest among the groups gnomAD compares: South Asian, 0.018%; 1 homozygote.

Submissions (3):

ARUP Laboratories, Molecular Genetics and Genomics, ARUP Laboratories
Classification: Uncertain significance. Last evaluated: 2025-07-17. Review status: criteria provided, single submitter. Criteria: ARUP Molecular Germline Variant Investigation Process 2024. Collection method: clinical testing. Allele origin: germline.

Ambry Genetics
Classification: Uncertain significance for Inborn genetic diseases. Last evaluated: 2021-07-13. Review status: criteria provided, single submitter. Criteria: Ambry Variant Classification Scheme 2023. Collection method: clinical testing. Allele origin: germline.

GeneDx
Classification: Uncertain significance. Last evaluated: 2019-08-21. Review status: criteria provided, single submitter. Criteria: GeneDx Variant Classification Process June 2021. Collection method: clinical testing. Allele origin: germline. Affected: yes.
Comment: In silico analysis, which includes protein predictors and evolutionary conservation, supports a deleterious effect; Has not been previously published as pathogenic or benign to our knowledge